The following is an entry in ClinVar:

ClinVar aggregate classification (germline): Pathogenic (1 of 4 stars; one submission).

Conditions:
Familial thoracic aortic aneurysm and aortic dissection (TAAD). Also called: Thoracic aortic aneurysms and dissections. Identifiers: Orphanet 91387, MedGen C4707243, MONDO:0019625.

gnomAD v4.1: 1 of 1,594,414 alleles (0.000063%); highest among the groups gnomAD compares: Non-Finnish European, 0.000086%; no homozygotes.

Submission:

Ambry Genetics
Classification: Pathogenic for Familial thoracic aortic aneurysm and aortic dissection. Last evaluated: 2026-01-21. Review status: criteria provided, single submitter. Criteria: Ambry Variant Classification Scheme 2023. Collection method: clinical testing. Allele origin: germline.
Comment: The c.853-2A>G intronic pathogenic mutation results from an A to G substitution two nucleotides upstream from coding exon 12 in the COL3A1 gene. Variants that disrupt the canonical splice site are expected to result in aberrant splicing. In silico splice site analysis predicts that this alteration will weaken the native splice acceptor site and will result in the creation or strengthening of a novel splice acceptor site. A resulting transcript is predicted to be in-frame and is not expected to trigger nonsense-mediated mRNAdecay; although, direct evidence is unavailable. However, the region predicted to be impacted is critical for protein function (Ambry internal data). This variant was reported in individual(s) with features consistent with vascular Ehlers-Danlos syndrome (Ambry internal data). This variant is considered to be rare based on population cohorts in the Genome Aggregation Database (gnomAD). This nucleotide position is highly conserved in available vertebrate species. Based on the supporting evidence, this variant is interpreted as a disease-causing mutation.

NM_000090.4(COL3A1):c.853-2A>G

Gene: COL3A1 (collagen type III alpha 1 chain; plus strand). Cytogenetic location: 2q32.2.
Variant type: single nucleotide variant.
Coding change: c.853-2A>G on transcript NM_000090.4 (MANE Select); the canonical splice acceptor site of the intron before coding-DNA position 853, A replaced by G.
Molecular consequence: splice acceptor variant.
Genome position (GRCh38, 1-based): chr2:188,991,485, A>G. VCF-style: chr2-188991485-A-G. GRCh37 (hg19) VCF-style: chr2-189856211-A-G.
Identifiers: ClinVar variation 4824878 (VCV004824878.1).